The following is an entry in ClinVar:

NM_005263.5(GFI1):c.1244G>C (p.Arg415Pro)

Gene: GFI1 (growth factor independent 1 transcriptional repressor; minus strand). Cytogenetic location: 1p22.1.
Variant type: single nucleotide variant.
Coding change: c.1244G>C on transcript NM_005263.5 (MANE Select); coding-DNA position 1244, G replaced by C.
Protein change: p.Arg415Pro; replaces arginine 415 with proline.
Molecular consequence: missense variant.
Genome position (GRCh38, 1-based): chr1:92,476,054, C>G on the plus strand (G>C on the coding strand, the complement: GFI1 is on the minus strand). VCF-style: chr1-92476054-C-G. GRCh37 (hg19) VCF-style: chr1-92941611-C-G.
Other names: c.1244G>C, p.Arg415Pro (NM_001127215.3, NM_001127216.3); short protein forms R415P.
Identifiers: ClinVar variation 5022407 (VCV005022407.1).

ClinVar aggregate classification (germline): Uncertain significance (1 of 4 stars; one submission).

Submission:

Ambry Genetics
Classification: Uncertain significance. Last evaluated: 2026-09-09. Review status: criteria provided, single submitter. Criteria: Ambry Variant Classification Scheme 2023. Collection method: clinical testing. Allele origin: germline.
Comment: The p.R415P variant (also known as c.1244G>C), located in coding exon 6 of the GFI1 gene, results from a G to C substitution at nucleotide position 1244. The arginine at codon 415 is replaced by proline, an amino acid with dissimilar properties. This amino acid position is conserved. In addition, this alteration is predicted to be tolerated by in silico analysis. Based on the available evidence, the clinical significance of this variant remains unclear.